The following is an entry in ClinVar:

NM_001199138.2(NLRC4):c.28G>T (p.Ala10Ser)

Gene: NLRC4 (NLR family CARD domain containing 4; minus strand). Cytogenetic location: 2p22.3.
Variant type: single nucleotide variant.
Coding change: c.28G>T on transcript NM_001199138.2 (MANE Select); coding-DNA position 28, G replaced by T.
Protein change: p.Ala10Ser; replaces alanine 10 with serine.
Molecular consequence: missense variant.
Genome position (GRCh38, 1-based): chr2:32,252,653, C>A on the plus strand (G>T on the coding strand, the complement: NLRC4 is on the minus strand). VCF-style: chr2-32252653-C-A. GRCh37 (hg19) VCF-style: chr2-32477722-C-A.
Other names: c.28G>T, p.Ala10Ser (NM_001199139.2, NM_001302504.2, NM_021209.5); short protein forms A10S.
Identifiers: ClinVar variation 3754304 (VCV003754304.2).

ClinVar aggregate classification (germline): Uncertain significance (1 of 4 stars; one submission).

Conditions:
Periodic fever-infantile enterocolitis-autoinflammatory syndrome. Also called: Autoinflammation with infantile enterocolitis. Identifiers: Orphanet 436166, MedGen C4015067, MONDO:0014472, OMIM 616050.
Familial cold autoinflammatory syndrome 4 (FCAS4). Identifiers: Orphanet 47045, Orphanet 576349, MedGen C4015276, MONDO:0014498, OMIM 616115.

gnomAD v4.1: 1 of 1,613,474 alleles (0.000062%); highest among the groups gnomAD compares: Admixed American, 0.0017%; no homozygotes.

Submission:

Labcorp Genetics (formerly Invitae), Labcorp
Classification: Uncertain significance for Periodic fever-infantile enterocolitis-autoinflammatory syndrome; Familial cold autoinflammatory syndrome 4. Last evaluated: 2024-08-21. Review status: criteria provided, single submitter. Criteria: Invitae Variant Classification Sherloc (09022015). Collection method: clinical testing. Allele origin: germline.
Comment: This sequence change replaces alanine, which is neutral and non-polar, with serine, which is neutral and polar, at codon 10 of the NLRC4 protein (p.Ala10Ser). This variant is not present in population databases (gnomAD no frequency). This variant has not been reported in the literature in individuals affected with NLRC4-related conditions. An algorithm developed to predict the effect of missense changes on protein structure and function (PolyPhen-2) suggests that this variant is likely to be tolerated. In summary, the available evidence is currently insufficient to determine the role of this variant in disease. Therefore, it has been classified as a Variant of Uncertain Significance.